The following is an entry in ClinVar:

NM_004260.4(RECQL4):c.1131+2_1131+5del

Gene: RECQL4 (RecQ like helicase 4; minus strand). Cytogenetic location: 8q24.3.
Variant type: Deletion.
Coding change: c.1131+2_1131+5del on transcript NM_004260.4 (MANE Select); the canonical splice donor site of the intron after coding-DNA position 1131 through 5 bases into the intron after coding-DNA position 1131, 4 bases deleted (TAAG; older notation c.1131+2_1131+5delTAAG).
Molecular consequence: splice donor variant.
Genome position (GRCh38, 1-based): chr8:144,515,983-144,515,986, CTTA deleted on the plus strand (TAAG on the coding strand, the reverse complement: RECQL4 is on the minus strand); deleting any 4 consecutive bases within chr8:144,515,983-144,515,987 gives the same sequence; the c. name uses the placement nearest the transcript's 3' end. VCF-style (leftmost placement, unchanged base first): chr8-144515982-TCTTA-T. GRCh37 (hg19) VCF-style: chr8-145741366-TCTTA-T.
Other names: c.1002+2_1002+5del (NM_001413025.1); c.780+2_780+5del (NM_001413029.1); c.-3+2_-3+5del (NM_001413032.1, NM_001413027.1, NM_001413031.1 and 2 more transcripts); c.60+2_60+5del (NM_001413035.1, NM_001413040.1, NM_001413021.1 and 8 more transcripts); c.1035+2_1035+5del (NM_001413017.1, NM_001413020.1); c.1131+2_1131+5del (NM_001413039.1, NM_001413033.1, NM_001413018.1 and 2 more transcripts); c.-210+2_-210+5del (NM_001413043.1).
Identifiers: ClinVar variation 2845026 (VCV002845026.3), dbSNP rs2538077097, ClinGen allele CA2579283127.

ClinVar aggregate classification (germline): Likely pathogenic (1 of 4 stars; one submission).

Conditions:
Baller-Gerold syndrome (BGS). Also called: CRANIOSYNOSTOSIS WITH RADIAL DEFECTS. Identifiers: Orphanet 1225, MedGen C0265308, MONDO:0009039, OMIM 218600.

Submission:

Labcorp Genetics (formerly Invitae), Labcorp
Classification: Likely pathogenic for Baller-Gerold syndrome. Last evaluated: 2023-03-12. Review status: criteria provided, single submitter. Criteria: Invitae Variant Classification Sherloc (09022015). Collection method: clinical testing. Allele origin: germline.
Comment: In summary, the currently available evidence indicates that the variant is pathogenic, but additional data are needed to prove that conclusively. Therefore, this variant has been classified as Likely Pathogenic. This sequence change affects a splice site in intron 5 of the RECQL4 gene. It is expected to disrupt RNA splicing. Variants that disrupt the donor or acceptor splice site typically lead to a loss of protein function (PMID: 16199547), and loss-of-function variants in RECQL4 are known to be pathogenic (PMID: 12734318, 12952869). This variant is not present in population databases (gnomAD no frequency). This variant has not been reported in the literature in individuals affected with RECQL4-related conditions. Algorithms developed to predict the effect of sequence changes on RNA splicing suggest that this variant may disrupt the consensus splice site.

Literature cited by the submitters: PubMed 16199547; PubMed 12734318; PubMed 12952869.